The following is an entry in ClinVar:

GRCh37/hg19 13q13.3(chr13:36035608-36058874)x1

Genes: MAB21L1 (mab-21 like 1; minus strand), NBEA (neurobeachin; plus strand). Cytogenetic location: 13q13.3.
Variant type: copy number loss.
Change: copy number 1 (one copy instead of two) of chr13:36,035,608-36,058,874 (23.3 kb, GRCh37 coordinates, 1-based), cytogenetic band 13q13.3.
Identifiers: ClinVar variation 2685462 (VCV002685462.1).

ClinVar aggregate classification (germline): Likely pathogenic (1 of 4 stars; one submission).

Submission:

Quest Diagnostics Nichols Institute San Juan Capistrano
Classification: Likely pathogenic. Last evaluated: 2023-04-24. Review status: criteria provided, single submitter. Criteria: ACMG/ClinGen CNV Guidelines, 2019. Collection method: clinical testing. Allele origin: unknown.
Comment: This loss involves two protein-coding genes: MAB21L1 (OMIM 601280) and a single exon (NM_015678.5) of an intragenic portion of NBEA (OMIM 604889). Haploinsufficiency of NBEA is associated with autosomal dominant neurodevelopmental disorder with or without early-onset generalized epilepsy (NEDEGE; OMIM 619157, Monlong 2018, Mulhern 2018, Royer-Bertrand 2021). Deletions of NBEA were also identified in a large autism spectrum disorder cohort (Kushima 2018). There are no similar copy number losses of this region in the general populations of the Database of Genomic Variants. Thus, based on current medical literature, this copy number variant (CNV) is classified as likely pathogenic. References: Kushima et al., Cell Rep. 2018 Sep 11;24(11):2838-2856. PMID: 30208311 Monlong et al., PLoS Genet. 2018 Apr 12;14(4):e1007285. PMID: 29649218 Mulhern et al., Ann Neurol. 2018 Nov;84(5):788-795. PMID: 30269351 Royer-Bertrand et al., Genes (Basel). 2021 Sep 16;12(9):1427. PMID: 34573409